The following is an entry in ClinVar:

ClinVar aggregate classification (germline): Uncertain significance. Review status: reviewed by expert panel (3 of 4 stars). 3 submissions from 2 submitters: Uncertain significance (1). 2 of the submissions do not count toward it. Last evaluated 2024-04-01.

Conditions:
Histiocytic medullary reticulosis. Also called: SEVERE COMBINED IMMUNODEFICIENCY WITH HYPEREOSINOPHILIA; Omenn syndrome. Identifiers: Orphanet 39041, MedGen C2700553, MONDO:0011338, OMIM 603554.
Severe combined immunodeficiency due to DCLRE1C deficiency (RS-SCID). Also called: SCID, AUTOSOMAL RECESSIVE, T CELL-NEGATIVE, B CELL-NEGATIVE, NK CELL-POSITIVE, WITH SENSITIVITY TO IONIZING RADIATION. Identifiers: Orphanet 275, MedGen C1865371, MONDO:0011225, OMIM 602450.

Submissions (3):

ClinGen Severe Combined Immunodeficiency Variant Curation Expert Panel, ClinGen
Classification: Uncertain significance for Severe combined immunodeficiency due to DCLRE1C deficiency. Last evaluated: 2024-04-01. Review status: reviewed by expert panel. Criteria: ClinGen SCID ACMG Specifications DCLRE1C V1.0.0. Collection method: curation. Allele origin: germline. Inheritance: Autosomal recessive inheritance.
Comment: The c.17G>A (NM_001033855.3) variant in DCLRE1C is a missense variant predicted to cause the substitution of Glycine by Glutamic Acid at amino acid 6 (p.Gly6Glu). This variant is absent from gnomAD v4 (PM2_Supporting). At least one patient with this variant displayed: Diagnostic criteria for SCID/Leaky SCID/Omenn syndrome met (0.5 pts) + WES (0.5 pts) T-B-NK+ lymphocyte subset profile (0.5 pts); total 1.5 pts, which is highly specific for SCID, PP4 is met (PMID: 29051008). The patient is homozygous for this variant (0.5 pts; PM3_Supporting). In summary, this variant is classified as a variant of uncertain significance for autosomal recessive severe combined immunodeficiency due to DCLRE1C deficiency, based on ACMG/AMP criteria applied, as specified by the ClinGen SCID VCEP (specification version 1.0): PM2_Supporting, PP4, and PM3_Supporting.

Genome-Nilou Lab
Classification: Uncertain significance for Histiocytic medullary reticulosis. Last evaluated: 2021-07-14. Review status: criteria provided, single submitter. Criteria: ACMG Guidelines, 2015. Collection method: clinical testing. Allele origin: germline. Affected: no. Not counted in ClinVar's aggregate classification.

Genome-Nilou Lab
Classification: Uncertain significance for Severe combined immunodeficiency due to DCLRE1C deficiency. Last evaluated: 2021-07-14. Review status: criteria provided, single submitter. Criteria: ACMG Guidelines, 2015. Collection method: clinical testing. Allele origin: germline. Affected: no. Not counted in ClinVar's aggregate classification.

NM_001033855.3(DCLRE1C):c.17G>A (p.Gly6Glu)

Gene: DCLRE1C (DNA cross-link repair 1C; minus strand). Cytogenetic location: 10p13.
Variant type: single nucleotide variant.
Coding change: c.17G>A on transcript NM_001033855.3 (MANE Select); coding-DNA position 17, G replaced by A.
Protein change: p.Gly6Glu; replaces glycine 6 with glutamic acid.
Molecular consequence: missense variant. On other transcripts: 5 prime UTR variant (9), non-coding transcript variant (4).
Genome position (GRCh38, 1-based): chr10:14,953,994, C>T on the plus strand (G>A on the coding strand, the complement: DCLRE1C is on the minus strand). VCF-style: chr10-14953994-C-T. GRCh37 (hg19) VCF-style: chr10-14995993-C-T.
Other names: NM_001033855.3(DCLRE1C):c.17G>A; p.Gly6Glu; c.-429G>A (NM_001033857.3, NM_001350967.2); c.-751G>A (NM_001033858.3); c.-188G>A (NM_001289076.2); c.-475G>A (NM_001289077.2); c.-221G>A (NM_001289078.2, NM_001350966.2); c.-797G>A (NM_001289079.2); and 2 more; short protein forms G6E.
Identifiers: ClinVar variation 1199335 (VCV001199335.3), dbSNP rs2131239353, ClinGen allele CA376066161.
Genomic context (GRCh38, chr10:14,953,994, plus strand): 5'-GCCCTCAGGTTCTCCCTATCGAAGCGGTCTATGGAGATAGTTGGATACTCGGCCATCTGC[C>T]CCTCGAAAGAACTCATAGCGCCGCCGATCCCAGAGTCCGGGACCCCAAAACCGCAGCTGA-3'
Protein context (NP_001029027.1, residues 1-16): MSSFE[Gly6Glu]QMAEYPTISI